The following is an entry in ClinVar:

NM_001291303.3(FAT4):c.11906-10C>T

Gene: FAT4 (FAT atypical cadherin 4; plus strand). Cytogenetic location: 4q28.1.
Variant type: single nucleotide variant.
Coding change: c.11906-10C>T on transcript NM_001291303.3 (MANE Select); 10 bases into the intron before coding-DNA position 11906, C replaced by T.
Molecular consequence: intron variant.
Genome position (GRCh38, 1-based): chr4:125,468,502, C>T. VCF-style: chr4-125468502-C-T. GRCh37 (hg19) VCF-style: chr4-126389657-C-T.
Other names: c.11906-10C>T (NM_001291285.3); c.11900-10C>T (NM_024582.6, NM_024582.4).
Identifiers: ClinVar variation 1096291 (VCV001096291.10), dbSNP rs370757220, ClinGen allele CA3073963.
Genomic context (GRCh38, chr4:125,468,502, plus strand): 5'-ATTTTAATCAAAATATATAATAAAATTTTCATGAAATTTTATGCCAGTTTGTCAATTTTC[C>T]CTCCAACAGGTGTCTTTGGAAAACACTGCGAGTTGAACAGTTATGGATTTGAGGAGTTAT-3'

ClinVar aggregate classification (germline): Likely benign. Review status: criteria provided, multiple submitters, no conflicts (2 of 4 stars). 3 submissions from 3 submitters: Likely benign (2). 1 of the submissions does not count toward it. Last evaluated 2025-12-30.

Conditions:
FAT4-related disorder. Also called: FAT4-related condition.

Allele frequency attached by ClinVar (database versions not stated): TOPMed 0.00013; ESP Exome Variant Server 0.00015; gnomAD 0.00015; gnomAD exomes 0.00016; ExAC 0.00018; 1000 Genomes Project 30x 0.00031.
gnomAD v4.1: 394 of 1,404,126 alleles (0.028%); highest among the groups gnomAD compares: Non-Finnish European, 0.034%; 1 homozygote.

Submissions (3):

Labcorp Genetics (formerly Invitae), Labcorp
Classification: Likely benign. Last evaluated: 2025-12-30. Review status: criteria provided, single submitter. Criteria: Invitae Variant Classification Sherloc (09022015). Collection method: clinical testing. Allele origin: germline.

Blueprint Genetics
Classification: Likely benign. Last evaluated: 2024-10-15. Review status: criteria provided, single submitter. Criteria: ACMG Guidelines, 2015. Collection method: clinical testing. Allele origin: germline.

PreventionGenetics, part of Exact Sciences
Classification: Likely benign for FAT4-related condition. Last evaluated: 2019-10-28. Review status: no assertion criteria provided. Collection method: clinical testing. Allele origin: germline. Not counted in ClinVar's aggregate classification.
Comment: This variant is classified as likely benign based on ACMG/AMP sequence variant interpretation guidelines (Richards et al. 2015 PMID: 25741868, with internal and published modifications).